The following is an entry in ClinVar:

ClinVar aggregate classification (germline): Uncertain significance (1 of 4 stars; one submission).

Conditions:
Hereditary cancer-predisposing syndrome. Also called: Neoplastic Syndromes, Hereditary; Tumor predisposition; Hereditary neoplastic syndrome; Hereditary Cancer Syndrome. Identifiers: Orphanet 140162, MedGen C0027672, MeSH D009386, MONDO:0015356.

Submission:

Ambry Genetics
Classification: Uncertain significance for Hereditary cancer-predisposing syndrome. Last evaluated: 2026-07-14. Review status: criteria provided, single submitter. Criteria: Ambry Variant Classification Scheme 2023. Collection method: clinical testing. Allele origin: germline.
Comment: The p.S998Y variant (also known as c.2993C>A), located in coding exon 4 of the MSH6 gene, results from a C to A substitution at nucleotide position 2993. The serine at codon 998 is replaced by tyrosine, an amino acid with dissimilar properties. This amino acid position is conserved. In addition, this alteration is predicted to be deleterious by in silico analysis. Based on the available evidence, the clinical significance of this variant remains unclear.

NM_000179.3(MSH6):c.2993C>A (p.Ser998Tyr)

Gene: MSH6 (mutS homolog 6; plus strand). Cytogenetic location: 2p16.3.
Variant type: single nucleotide variant.
Coding change: c.2993C>A on transcript NM_000179.3 (MANE Select); coding-DNA position 2993, C replaced by A.
Protein change: p.Ser998Tyr; replaces serine 998 with tyrosine.
Molecular consequence: missense variant. On other transcripts: non-coding transcript variant (5), intron variant (2).
Genome position (GRCh38, 1-based): chr2:47,800,976, C>A. VCF-style: chr2-47800976-C-A. GRCh37 (hg19) VCF-style: chr2-48028115-C-A.
Other names: c.2087C>A, p.Ser696Tyr (NM_001406814.1, NM_001406815.1, NM_001406816.1 and 6 more transcripts); c.2696C>A, p.Ser899Tyr (NM_001406818.1, NM_001406819.1, NM_001406820.1 and 10 more transcripts); c.2603C>A, p.Ser868Tyr (NM_001281492.2); c.3089C>A, p.Ser1030Tyr (NM_001406795.1, NM_001406802.1); c.2993C>A, p.Ser998Tyr (NM_001406796.1, NM_001406798.1, NM_001406800.1 and 2 more transcripts); c.2468C>A, p.Ser823Tyr (NM_001406799.1, NM_001406806.1, NM_001406807.1); c.2915C>A, p.Ser972Tyr (NM_001406804.1); c.2999C>A, p.Ser1000Tyr (NM_001406813.1); and 4 more; short protein forms S1030Y, S823Y, S868Y, S972Y, S313Y, S899Y, S1000Y, S696Y.
Identifiers: ClinVar variation 5024912 (VCV005024912.1).